The following is an entry in ClinVar:

NC_000007.14:g.156764178G>T

Genes: LMBR1 (limb development membrane protein 1; minus strand), SHH (sonic hedgehog signaling molecule; minus strand). Cytogenetic location: 7q36.3.
Variant type: single nucleotide variant.
Molecular consequence: intron variant (on NM_022458.4).
Genome position: GRCh38 VCF-style: chr7-156764178-G-T. GRCh37 (hg19) VCF-style: chr7-156556872-G-T.
Other names: c.361-383C>A (NM_001363412.2); c.145-383C>A (NM_001350954.2); c.424-383C>A (NM_001363410.2, NM_022458.4, NM_001363409.2 and 1 more transcripts); c.-33-383C>A (NM_001350958.2, NM_001350956.2, NM_001350955.2 and 1 more transcripts); c.55-383C>A (NM_001350957.2, NM_001363411.2).
Identifiers: ClinVar variation 2872246 (VCV002872246.3), dbSNP rs564378515, ClinGen allele CA835792750.

ClinVar aggregate classification (germline): Uncertain significance (1 of 4 stars; one submission).

Conditions:
Holoprosencephaly 3 (HPE3). Identifiers: Orphanet 2162, MedGen C1840529, MONDO:0007733, OMIM 142945.

Allele frequency attached by ClinVar (database versions not stated): 1000 Genomes Project 30x 0.00016.
gnomAD v4.1: 1 of 152,230 alleles (0.00066%); highest among the groups gnomAD compares: East Asian, 0.019%; no homozygotes.

Submission:

Labcorp Genetics (formerly Invitae), Labcorp
Classification: Uncertain significance for Holoprosencephaly 3. Last evaluated: 2022-09-06. Review status: criteria provided, single submitter. Criteria: Invitae Variant Classification Sherloc (09022015). Collection method: clinical testing. Allele origin: germline.
Comment: This variant is not present in population databases (gnomAD no frequency). In summary, the available evidence is currently insufficient to determine the role of this variant in disease. Therefore, it has been classified as a Variant of Uncertain Significance. Experimental studies and prediction algorithms are not available or were not evaluated, and the effect of this variant on mRNA splicing is currently unknown. This variant has not been reported in the literature in individuals affected with SHH-related conditions. This variant occurs in a non-coding region of the SHH gene. It does not change the encoded amino acid sequence of the SHH protein.